The following is an entry in ClinVar:

ClinVar aggregate classification (germline): Uncertain significance (1 of 4 stars; one submission).

Submission:

Ambry Genetics
Classification: Uncertain significance. Last evaluated: 2024-04-07. Review status: criteria provided, single submitter. Criteria: Ambry Variant Classification Scheme 2023. Collection method: clinical testing. Allele origin: germline.
Comment: The p.Q179K variant (also known as c.535C>A), located in coding exon 6 of the NPAT gene, results from a C to A substitution at nucleotide position 535. The glutamine at codon 179 is replaced by lysine, an amino acid with similar properties. This amino acid position is conserved. In addition, this alteration is predicted to be tolerated by in silico analysis. Based on the available evidence, the clinical significance of this variant remains unclear.

NM_002519.3(NPAT):c.535C>A (p.Gln179Lys)

Gene: NPAT (nuclear protein, coactivator of histone transcription; minus strand). Cytogenetic location: 11q22.3.
Variant type: single nucleotide variant.
Coding change: c.535C>A on transcript NM_002519.3 (MANE Select); coding-DNA position 535, C replaced by A.
Protein change: p.Gln179Lys; replaces glutamine 179 with lysine.
Molecular consequence: missense variant.
Genome position (GRCh38, 1-based): chr11:108,189,127, G>T on the plus strand (C>A on the coding strand, the complement: NPAT is on the minus strand). VCF-style: chr11-108189127-G-T. GRCh37 (hg19) VCF-style: chr11-108059854-G-T.
Other names: c.535C>A, p.Gln179Lys (NM_001321307.1); short protein forms Q179K.
Identifiers: ClinVar variation 3300658 (VCV003300658.1).